The following is an entry in ClinVar:

NM_172362.3(KCNH1):c.2049C>G (p.Phe683Leu)

Gene: KCNH1 (potassium voltage-gated channel subfamily H member 1; minus strand). Cytogenetic location: 1q32.2.
Variant type: single nucleotide variant.
Coding change: c.2049C>G on transcript NM_172362.3 (MANE Select); coding-DNA position 2049, C replaced by G.
Protein change: p.Phe683Leu; replaces phenylalanine 683 with leucine.
Molecular consequence: missense variant.
Genome position (GRCh38, 1-based): chr1:210,775,411, G>C on the plus strand (C>G on the coding strand, the complement: KCNH1 is on the minus strand). VCF-style: chr1-210775411-G-C. GRCh37 (hg19) VCF-style: chr1-210948753-G-C.
Other names: c.1968C>G, p.Phe656Leu (NM_002238.4); short protein forms F656L, F683L.
Identifiers: ClinVar variation 3682970 (VCV003682970.2).

ClinVar aggregate classification (germline): Uncertain significance (1 of 4 stars; one submission).

Submission:

Labcorp Genetics (formerly Invitae), Labcorp
Classification: Uncertain significance. Last evaluated: 2024-09-16. Review status: criteria provided, single submitter. Criteria: Invitae Variant Classification Sherloc (09022015). Collection method: clinical testing. Allele origin: germline.
Comment: This sequence change replaces phenylalanine, which is neutral and non-polar, with leucine, which is neutral and non-polar, at codon 683 of the KCNH1 protein (p.Phe683Leu). This variant is not present in population databases (gnomAD no frequency). This variant has not been reported in the literature in individuals affected with KCNH1-related conditions. Invitae Evidence Modeling of protein sequence and biophysical properties (such as structural, functional, and spatial information, amino acid conservation, physicochemical variation, residue mobility, and thermodynamic stability) has been performed for this missense variant. However, the output from this modeling did not meet the statistical confidence thresholds required to predict the impact of this variant on KCNH1 protein function. In summary, the available evidence is currently insufficient to determine the role of this variant in disease. Therefore, it has been classified as a Variant of Uncertain Significance.